The following is an entry in ClinVar:

ClinVar aggregate classification (germline): Conflicting classifications of pathogenicity. Review status: criteria provided, conflicting classifications (1 of 4 stars). 2 submissions from 2 submitters: Uncertain significance (1); Likely benign (1). Last evaluated 2025-10-24.

Conditions:
Hereditary cancer-predisposing syndrome. Also called: Hereditary neoplastic syndrome; Hereditary Cancer Syndrome; Tumor predisposition; Neoplastic Syndromes, Hereditary. Identifiers: Orphanet 140162, MedGen C0027672, MeSH D009386, MONDO:0015356.
EGFR-related lung cancer (EGFR). Identifiers: MedGen CN130014.

Allele frequency attached by ClinVar (database versions not stated): TOPMed below 0.00001; gnomAD 0.00001.
gnomAD v4.1: 3 of 1,613,986 alleles (0.00019%); highest among the groups gnomAD compares: Non-Finnish European, 0.00025%; no homozygotes.

Submissions (2):

Ambry Genetics
Classification: Uncertain significance for Hereditary cancer-predisposing syndrome. Last evaluated: 2025-10-24. Review status: criteria provided, single submitter. Criteria: Ambry Variant Classification Scheme 2023. Collection method: clinical testing. Allele origin: germline.
Comment: The c.1632-5C>G intronic variant results from a C to G substitution 5 nucleotides upstream from coding exon 14 in the EGFR gene. This nucleotide position is not well conserved in available vertebrate species. In silico splice site analysis for this alteration is inconclusive. Based on the available evidence, the clinical significance of this variant remains unclear.

Labcorp Genetics (formerly Invitae), Labcorp
Classification: Likely benign for EGFR-related lung cancer. Last evaluated: 2024-12-22. Review status: criteria provided, single submitter. Criteria: Invitae Variant Classification Sherloc (09022015). Collection method: clinical testing. Allele origin: germline.

NM_005228.5(EGFR):c.1632-5C>G

Gene: EGFR (epidermal growth factor receptor; plus strand). Cytogenetic location: 7p11.2.
Variant type: single nucleotide variant.
Coding change: c.1632-5C>G on transcript NM_005228.5 (MANE Select); 5 bases into the intron before coding-DNA position 1632, C replaced by G.
Molecular consequence: intron variant.
Genome position (GRCh38, 1-based): chr7:55,163,728, C>G. VCF-style: chr7-55163728-C-G. GRCh37 (hg19) VCF-style: chr7-55231421-C-G.
Other names: c.1497-5C>G (NM_001346899.2, NM_001346897.2); c.831-5C>G (NM_001346941.2); c.1632-5C>G (NM_001346898.2, NM_201284.2, NM_201282.2 and 1 more transcripts); c.1473-5C>G (NM_001346900.2).
Identifiers: ClinVar variation 1154132 (VCV001154132.10), dbSNP rs139388828, ClinGen allele CA574332979.